The following is an entry in ClinVar:

ClinVar aggregate classification (germline): Pathogenic/Likely pathogenic. Review status: criteria provided, multiple submitters, no conflicts (2 of 4 stars). 13 submissions from 13 submitters: Pathogenic (10); Likely pathogenic (1). 2 of the submissions do not count toward it. Last evaluated 2025-09-30.

Conditions:
Medium-chain acyl-coenzyme A dehydrogenase deficiency (ACADMD). Also called: MCAD Deficiency; MCADH DEFICIENCY; ACADM DEFICIENCY; CARNITINE DEFICIENCY SECONDARY TO MEDIUM-CHAIN ACYL-CoA DEHYDROGENASE DEFICIENCY; MCADD; Medium chain acyl-CoA dehydrogenase deficiency. Identifiers: Orphanet 42, MedGen C0220710, MONDO:0008721, OMIM 201450.

Allele frequency attached by ClinVar (database versions not stated): TOPMed 0.00002; gnomAD exomes 0.00001 and 0.00002; gnomAD 0.00001; ExAC 0.00002.
gnomAD v4.1: 23 of 1,613,850 alleles (0.0014%); highest among the groups gnomAD compares: Non-Finnish European, 0.0019%; no homozygotes.

Submissions (13):

Natera, Inc.
Classification: Pathogenic for Medium Chain Acyl-CoA Dehydrogenase Deficiency. Last evaluated: 2025-09-30. Review status: criteria provided, single submitter. Criteria: Natera Variant Classification Schema (03/2026). Collection method: clinical testing. Allele origin: germline.
Comment: The c.734C>T variant in ACADM is a missense variant predicted to cause substitution of serine to leucine at amino acid 245. This variant is rare in the general population with a frequency below the threshold expected for the associated phenotype(s). This variant has been observed in one or more individuals affected with the associated recessive disease, as either homozygous or compound heterozygous with a second variant (PMID: 36840705, 33580884). Additionally, this variant has been observed to segregate in affected family members (PMID: 25689098). Computational prediction algorithms indicate this variant is likely to affect gene or protein function. Given the available evidence, this variant is classified as Pathogenic.

Labcorp Genetics (formerly Invitae), Labcorp
Classification: Pathogenic for Medium-chain acyl-coenzyme A dehydrogenase deficiency. Last evaluated: 2025-08-26. Review status: criteria provided, single submitter. Criteria: Invitae Variant Classification Sherloc (09022015). Collection method: clinical testing. Allele origin: germline.
Comment: This sequence change replaces serine, which is neutral and polar, with leucine, which is neutral and non-polar, at codon 245 of the ACADM protein (p.Ser245Leu). This variant is present in population databases (rs121434281, gnomAD 0.003%). This missense change has been observed in individual(s) with biochemical profiles diagnostic for MCAD deficiency (PMID: 11409868, 20434380, 22683754, 23509891). ClinVar contains an entry for this variant (Variation ID: 3598). Invitae Evidence Modeling of protein sequence and biophysical properties (such as structural, functional, and spatial information, amino acid conservation, physicochemical variation, residue mobility, and thermodynamic stability) indicates that this missense variant is expected to disrupt ACADM protein function with a positive predictive value of 80%. For these reasons, this variant has been classified as Pathogenic.

Women's Health and Genetics/Laboratory Corporation of America, LabCorp
Classification: Pathogenic for Medium-chain acyl-coenzyme A dehydrogenase deficiency. Last evaluated: 2025-07-14. Review status: criteria provided, single submitter. Criteria: LabCorp Variant Classification Summary - May 2015. Collection method: clinical testing. Allele origin: germline.
Comment: Variant summary: ACADM c.734C>T (p.Ser245Leu) results in a non-conservative amino acid change in the encoded protein sequence. Algorithms developed to predict the effect of missense changes on protein structure and function all suggest that this variant is likely to be disruptive. The variant allele was found at a frequency of 1.6e-05 in 251320 control chromosomes. c.734C>T has been observed in multiple individuals affected with Medium Chain Acyl-CoA Dehydrogenase Deficiency (example: Scolamiero_2015 and Weiss_2023). These data indicate that the variant is very likely to be associated with disease. The following publications have been ascertained in the context of this evaluation (PMID: 25689098, 36840705). ClinVar contains an entry for this variant (Variation ID: 3598). Based on the evidence outlined above, the variant was classified as pathogenic.

CeGaT Center for Human Genetics Tuebingen
Classification: Pathogenic. Last evaluated: 2025-05-01. Review status: criteria provided, single submitter. Criteria: CeGaT Center For Human Genetics Tuebingen Variant Classification Criteria Version 2. Collection method: clinical testing. Allele origin: germline. Affected: yes. Observed: 2 variant alleles.
Comment: ACADM: PM3:Very Strong, PM2, PP3, PP4

Quest Diagnostics Nichols Institute San Juan Capistrano
Classification: Pathogenic. Last evaluated: 2024-08-15. Review status: criteria provided, single submitter. Criteria: Quest Diagnostics criteria. Collection method: clinical testing. Allele origin: unknown.
Comment: The ACADM c.734C>T (p.Ser245Leu) variant has been reported in the homozygous and compound heterozygous state in individuals with MCAD deficiency (PMIDs: 31012112 (2019), 23509891 (2013), 22683754 (2012), 20434380 (2010), 11409868 (2001)), and shown to cause a notable reduction in ACADM enzyme activity (PMIDs: 23509891 (2013), 11409868 (2001)). The frequency of this variant in the general population, 0.000035 (4/113684 chromosomes (Genome Aggregation Database)), is consistent with pathogenicity. Based on the available information, this variant is classified as pathogenic.

GeneDx
Classification: Pathogenic. Last evaluated: 2024-08-05. Review status: criteria provided, single submitter. Criteria: GeneDx Variant Classification Process June 2021. Collection method: clinical testing. Allele origin: germline. Affected: yes.
Comment: Published functional studies found this variant is associated with significantly reduced enzyme activity (PMID: 11349232); Not observed at significant frequency in large population cohorts (gnomAD); In silico analysis supports that this missense variant has a deleterious effect on protein structure/function; Also known as c.734 C>T, p.(S220L); This variant is associated with the following publications: (PMID: 16763904, 12385891, 16546179, 20434380, 25689098, 22683754, 27477829, 34426522, 31589614, 32778825, 36840705, 11349232, 11409868, 23509891, 21704015, 31012112)

Baylor Genetics
Classification: Pathogenic for Medium-chain acyl-coenzyme A dehydrogenase deficiency. Last evaluated: 2024-02-12. Review status: criteria provided, single submitter. Criteria: ACMG Guidelines, 2015. Collection method: clinical testing. Allele origin: unknown.

Revvity Omics, Revvity
Classification: Likely pathogenic for Medium-chain acyl-coenzyme A dehydrogenase deficiency. Last evaluated: 2022-04-09. Review status: criteria provided, single submitter. Criteria: ACMG Guidelines, 2015. Collection method: clinical testing. Allele origin: germline.

Fulgent Genetics
Classification: Pathogenic for Medium-chain acyl-coenzyme A dehydrogenase deficiency. Last evaluated: 2022-02-10. Review status: criteria provided, single submitter. Criteria: ACMG Guidelines, 2015. Collection method: clinical testing. Allele origin: unknown.

Center for Pediatric Genomic Medicine, Children's Mercy Hospital and Clinics
Classification: Pathogenic. Last evaluated: 2016-07-20. Review status: criteria provided, single submitter. Criteria: ACMG Guidelines, 2015. Collection method: clinical testing. Allele origin: germline.

Eurofins Ntd Llc (ga)
Classification: Pathogenic. Last evaluated: 2013-08-19. Review status: criteria provided, single submitter. Criteria: EGL Classification Definitions. Collection method: clinical testing. Allele origin: germline. Observed: 2 variant alleles, 2 heterozygotes.

Counsyl
Classification: Likely pathogenic for Medium-chain acyl-coenzyme A dehydrogenase deficiency. Last evaluated: 2017-07-05. Review status: no assertion criteria provided. Collection method: clinical testing. Allele origin: unknown. Not counted in ClinVar's aggregate classification.

OMIM
Classification: Pathogenic for MCAD DEFICIENCY. Last evaluated: 2001-05-01. Review status: no assertion criteria provided. Collection method: literature only. Allele origin: germline. Not counted in ClinVar's aggregate classification.

Literature cited by the submitters: PubMed 36840705 (cited by Natera, Inc. and Women's Health and Genetics/Laboratory Corporation of America, LabCorp); PubMed 33580884 (cited by Natera, Inc.); PubMed 25689098 (cited by Natera, Inc. and Women's Health and Genetics/Laboratory Corporation of America, LabCorp); PubMed 11409868 (cited by 4 submitters); PubMed 20434380 (cited by 3 submitters); PubMed 22683754 (cited by 3 submitters); PubMed 23509891 (cited by 3 submitters); PubMed 34426522 (cited by Quest Diagnostics Nichols Institute San Juan Capistrano); PubMed 31012112 (cited by Quest Diagnostics Nichols Institute San Juan Capistrano); PubMed 21704015 (cited by Counsyl).

NM_000016.6(ACADM):c.734C>T (p.Ser245Leu)

Gene: ACADM (acyl-CoA dehydrogenase medium chain; plus strand). Cytogenetic location: 1p31.1.
Variant type: single nucleotide variant.
Coding change: c.734C>T on transcript NM_000016.6 (MANE Select); coding-DNA position 734, C replaced by T.
Protein change: p.Ser245Leu; replaces serine 245 with leucine.
Molecular consequence: missense variant.
Genome position (GRCh38, 1-based): chr1:75,749,444, C>T. VCF-style: chr1-75749444-C-T. GRCh37 (hg19) VCF-style: chr1-76215129-C-T.
Other names: S220L; c.746C>T, p.Ser249Leu (NM_001127328.3); c.626C>T, p.Ser209Leu (NM_001286042.2); c.833C>T, p.Ser278Leu (NM_001286043.2); c.167C>T, p.Ser56Leu (NM_001286044.2); short protein forms S245L, S249L, S209L, S278L, S56L.
Identifiers: ClinVar variation 3598 (VCV000003598.44), dbSNP rs121434281, ClinGen allele CA220186.